The following is an entry in ClinVar:

ClinVar aggregate classification (germline): Uncertain significance (0 of 4 stars; one submission).

Conditions:
CEP164-related disorder. Also called: CEP164-related condition.

Submission:

PreventionGenetics, part of Exact Sciences
Classification: Uncertain significance for CEP164-related condition. Last evaluated: 2024-09-11. Review status: no assertion criteria provided. Collection method: clinical testing. Allele origin: germline.
Comment: The CEP164 c.575C>T variant is predicted to result in the amino acid substitution p.Ser192Phe. To our knowledge, this variant has not been reported in the literature or in a large population database, indicating this variant is rare. At this time, the clinical significance of this variant is uncertain due to the absence of conclusive functional and genetic evidence.

NM_014956.5(CEP164):c.575C>T (p.Ser192Phe)

Gene: CEP164 (centrosomal protein 164; plus strand). Cytogenetic location: 11q23.3.
Variant type: single nucleotide variant.
Coding change: c.575C>T on transcript NM_014956.5 (MANE Select); coding-DNA position 575, C replaced by T.
Protein change: p.Ser192Phe; replaces serine 192 with phenylalanine.
Molecular consequence: missense variant.
Genome position (GRCh38, 1-based): chr11:117,362,426, C>T. VCF-style: chr11-117362426-C-T. GRCh37 (hg19) VCF-style: chr11-117233142-C-T.
Other names: c.575C>T, p.Ser192Phe (NM_001271933.2); short protein forms S192F.
Identifiers: ClinVar variation 3347340 (VCV003347340.1).